The following is an entry in ClinVar:

NM_001330588.2(TPP2):c.2866GAT[1] (p.Asp957del)

Gene: TPP2 (tripeptidyl peptidase 2; plus strand). Cytogenetic location: 13q33.1.
Variant type: Microsatellite.
Coding change: c.2866GAT[1] on transcript NM_001330588.2 (MANE Select); one copy of the 3-base unit GAT starting at c.2866; the reference has two copies in a row; one copy, 3 bases deleted.
Protein change: p.Asp957del; deletes aspartic acid 957.
Molecular consequence: non-coding transcript variant (on NR_160411.1).
Genome position (GRCh38, 1-based): chr13:102,649,147-102,649,149, GAT deleted; deleting any 3 consecutive bases within chr13:102,649,143-102,649,149 gives the same sequence; the position shown is the placement nearest the transcript's 3' end. VCF-style (leftmost placement, unchanged base first): chr13-102649142-CTGA-C. GRCh37 (hg19) VCF-style: chr13-103301492-CTGA-C.
Other names: c.2866GAT[1], p.Asp957del (NM_001367947.1, NM_003291.4); short protein forms D957del.
Identifiers: ClinVar variation 3647570 (VCV003647570.2).

ClinVar aggregate classification (germline): Uncertain significance (1 of 4 stars; one submission).

Conditions:
Evans syndrome, immunodeficiency, and premature immunosenescence associated with tripeptidyl-peptidase II deficiency. Identifiers: MedGen CN231723. Disease mechanism: loss of function.

Submission:

Labcorp Genetics (formerly Invitae), Labcorp
Classification: Uncertain significance for Evans syndrome, immunodeficiency, and premature immunosenescence associated with tripeptidyl-peptidase II deficiency. Last evaluated: 2025-01-13. Review status: criteria provided, single submitter. Criteria: Invitae Variant Classification Sherloc (09022015). Collection method: clinical testing. Allele origin: germline.
Comment: This variant, c.2869_2871del, results in the deletion of 1 amino acid(s) of the TPP2 protein (p.Asp957del), but otherwise preserves the integrity of the reading frame. This variant is not present in population databases (gnomAD no frequency). This variant has not been reported in the literature in individuals affected with TPP2-related conditions. Experimental studies and prediction algorithms are not available or were not evaluated, and the functional significance of this variant is currently unknown. In summary, the available evidence is currently insufficient to determine the role of this variant in disease. Therefore, it has been classified as a Variant of Uncertain Significance.